The following is an entry in ClinVar:

NM_003126.4(SPTA1):c.3701C>A (p.Pro1234His)

Gene: SPTA1 (spectrin alpha, erythrocytic 1; minus strand). Cytogenetic location: 1q23.1.
Variant type: single nucleotide variant.
Coding change: c.3701C>A on transcript NM_003126.4 (MANE Select); coding-DNA position 3701, C replaced by A.
Protein change: p.Pro1234His; replaces proline 1234 with histidine.
Molecular consequence: missense variant.
Genome position (GRCh38, 1-based): chr1:158,648,522, G>T on the plus strand (C>A on the coding strand, the complement: SPTA1 is on the minus strand). VCF-style: chr1-158648522-G-T. GRCh37 (hg19) VCF-style: chr1-158618312-G-T.
Other names: short protein forms P1234H.
Identifiers: ClinVar variation 4685928 (VCV004685928.1).

ClinVar aggregate classification (germline): Uncertain significance (1 of 4 stars; one submission).

gnomAD v4.1: 1 of 1,613,868 alleles (0.000062%); highest among the groups gnomAD compares: South Asian, 0.0011%; no homozygotes.

Submission:

ARUP Laboratories, Molecular Genetics and Genomics, ARUP Laboratories
Classification: Uncertain significance. Last evaluated: 2025-06-30. Review status: criteria provided, single submitter. Criteria: ARUP Molecular Germline Variant Investigation Process 2024. Collection method: clinical testing. Allele origin: germline.
Comment: The SPTA1 c.3701C>A; p.Pro1234His variant, to our knowledge, is not reported in the medical literature or gene specific databases. This variant is also absent from the Genome Aggregation Database (v2.1.1), indicating it is not a common polymorphism. Computational analyses are uncertain whether this variant is neutral or deleterious (REVEL: 0.236). Due to limited information, the clinical significance of this variant is uncertain at this time.